The following is an entry in ClinVar:

ClinVar aggregate classification (germline): Likely benign. Review status: criteria provided, multiple submitters, no conflicts (2 of 4 stars). 2 submissions from 2 submitters: Likely benign (2). Last evaluated 2018-06-19.

Allele frequency attached by ClinVar (database versions not stated): gnomAD 0.00861 and 0.00804; 1000 Genomes Project 0.00679; TOPMed 0.00909; 1000 Genomes Project 30x 0.00671.
gnomAD v4.1: 2,319 of 1,543,380 alleles (0.15%); highest among the groups gnomAD compares: African/African-American, 2.9%; 30 homozygotes.

Submissions (3):

GeneDx
Classification: Likely benign. Last evaluated: 2018-06-19. Review status: criteria provided, single submitter. Criteria: GeneDx Variant Classification (06012015). Collection method: clinical testing. Allele origin: germline. Affected: yes.
Comment: This variant is considered likely benign or benign based on one or more of the following criteria: it is a conservative change, it occurs at a poorly conserved position in the protein, it is predicted to be benign by multiple in silico algorithms, and/or has population frequency not consistent with disease.

Breakthrough Genomics
Classification: Likely benign. Review status: criteria provided, single submitter. Criteria: ACMG Guidelines, 2015. Collection method: not provided. Allele origin: germline. Inheritance: Autosomal dominant inheritance. Affected: yes.

Dr. Peter K. Rogan Lab, Western University
No classification provided (evidence only). Condition: Uterine corpus endometrial carcinoma. Review status: no classification provided. Collection method: in vitro. Allele origin: not applicable. Functional consequence: retained intron. Not counted in ClinVar's aggregate classification.

NM_004281.4(BAG3):c.507+58C>T

Gene: BAG3 (BAG cochaperone 3; plus strand). Cytogenetic location: 10q26.11.
Variant type: single nucleotide variant.
Coding change: c.507+58C>T on transcript NM_004281.4 (MANE Select); 58 bases into the intron after coding-DNA position 507, C replaced by T.
Molecular consequence: intron variant.
Genome position (GRCh38, 1-based): chr10:119,670,235, C>T. VCF-style: chr10-119670235-C-T. GRCh37 (hg19) VCF-style: chr10-121429747-C-T.
Other names: NC_000010.10:g.121429747C>T.
Identifiers: ClinVar variation 676077 (VCV000676077.3), dbSNP rs112302047, ClinGen allele CA214220404.